The following is an entry in ClinVar:

NM_001371928.1(AHDC1):c.2180G>T (p.Gly727Val)

Gene: AHDC1 (AT-hook DNA binding motif containing 1; minus strand). Cytogenetic location: 1p36.11.
Variant type: single nucleotide variant.
Coding change: c.2180G>T on transcript NM_001371928.1 (MANE Select); coding-DNA position 2180, G replaced by T.
Protein change: p.Gly727Val; replaces glycine 727 with valine.
Molecular consequence: missense variant.
Genome position (GRCh38, 1-based): chr1:27,549,936, C>A on the plus strand (G>T on the coding strand, the complement: AHDC1 is on the minus strand). VCF-style: chr1-27549936-C-A. GRCh37 (hg19) VCF-style: chr1-27876447-C-A.
Other names: c.2180G>T, p.Gly727Val (NM_001029882.3); short protein forms G727V.
Identifiers: ClinVar variation 1306483 (VCV001306483.2), dbSNP rs775875766, ClinGen allele CA339232530.

ClinVar aggregate classification (germline): Uncertain significance (1 of 4 stars; one submission).

Submission:

GeneDx
Classification: Uncertain significance. Last evaluated: 2019-06-24. Review status: criteria provided, single submitter. Criteria: GeneDx Variant Classification Process June 2021. Collection method: clinical testing. Allele origin: germline. Affected: yes.
Comment: Not observed in large population cohorts (Lek et al., 2016); In silico analysis, which includes protein predictors and evolutionary conservation, supports that this variant does not alter protein structure/function; Has not been previously published as pathogenic or benign to our knowledge